The following is an entry in ClinVar:

ClinVar aggregate classification (germline): Uncertain significance. Review status: criteria provided, multiple submitters, no conflicts (2 of 4 stars). 5 submissions from 5 submitters: Uncertain significance (5). Last evaluated 2025-10-07.

Conditions:
Fanconi anemia (FA). Also called: Fanconi's anemia. Identifiers: Orphanet 84, MedGen C0015625, MeSH D005199, MONDO:0019391.
Fanconi anemia complementation group A (FANCA). Also called: Fanconi anemia, group A; FANCA-Related Fanconi Anemia. Identifiers: Orphanet 84, MedGen C3469521, MONDO:0009215, OMIM 227650.

gnomAD v4.1: 77 of 1,614,138 alleles (0.0048%); highest among the groups gnomAD compares: East Asian, 0.0089%; no homozygotes.

Submissions (5):

Quest Diagnostics Nichols Institute San Juan Capistrano
Classification: Uncertain significance. Last evaluated: 2025-10-07. Review status: criteria provided, single submitter. Criteria: Quest Diagnostics criteria. Collection method: clinical testing. Allele origin: unknown.
Comment: The FANCA c.4260+5C>T variant has not been reported in individuals with FANCA-related conditions in the published literature. The frequency of this variant in the general population (Genome Aggregation Database) is uninformative in the assessment of its pathogenicity. Analysis of this variant using software algorithms for the prediction of the effect of nucleotide changes on splicing yielded predictions that this variant does not affect FANCA mRNA splicing. Based on the available information, we are unable to determine the clinical significance of this variant.

St. Jude Molecular Pathology, St. Jude Children's Research Hospital
Classification: Uncertain significance for Fanconi anemia complementation group A. Last evaluated: 2025-06-17. Review status: criteria provided, single submitter. Criteria: St. Jude Assertion Criteria 2020. Collection method: clinical testing. Allele origin: germline.
Comment: The FANCA c.4260+5C>T intronic change results in a C to T substitution at the +5 position of intron 42 of the FANCA gene. Algorithms that predict the impact of sequence changes on splicing indicate that this change may impact splicing. This variant has a maximum subpopulation frequency of 0.01% in gnomAD v2.1.1. To our knowledge, this variant has not been reported in individuals with Fanconi anemia. In summary, the evidence currently available is insufficient to determine the clinical significance of this variant. It has therefore been classified as of uncertain significance.

CeGaT Center for Human Genetics Tuebingen
Classification: Uncertain significance. Last evaluated: 2024-06-01. Review status: criteria provided, single submitter. Criteria: CeGaT Center For Human Genetics Tuebingen Variant Classification Criteria Version 2. Collection method: clinical testing. Allele origin: germline. Affected: yes. Observed: 1 variant allele.
Comment: FANCA: PM2, BP4

Women's Health and Genetics/Laboratory Corporation of America, LabCorp
Classification: Uncertain significance. Last evaluated: 2023-10-29. Review status: criteria provided, single submitter. Criteria: LabCorp Variant Classification Summary - May 2015. Collection method: clinical testing. Allele origin: germline.

Labcorp Genetics (formerly Invitae), Labcorp
Classification: Uncertain significance for Fanconi anemia. Last evaluated: 2022-11-01. Review status: criteria provided, single submitter. Criteria: Invitae Variant Classification Sherloc (09022015). Collection method: clinical testing. Allele origin: germline.
Comment: This sequence change falls in intron 42 of the FANCA gene. It does not directly change the encoded amino acid sequence of the FANCA protein. It affects a nucleotide within the consensus splice site. This variant is present in population databases (rs762275511, gnomAD 0.005%). This variant has not been reported in the literature in individuals affected with FANCA-related conditions. Variants that disrupt the consensus splice site are a relatively common cause of aberrant splicing (PMID: 17576681, 9536098). Algorithms developed to predict the effect of sequence changes on RNA splicing suggest that this variant may create or strengthen a splice site. In summary, the available evidence is currently insufficient to determine the role of this variant in disease. Therefore, it has been classified as a Variant of Uncertain Significance.

Literature cited by the submitters: PubMed 17576681 (cited by Labcorp Genetics (formerly Invitae), Labcorp); PubMed 9536098 (cited by Labcorp Genetics (formerly Invitae), Labcorp).

NM_000135.4(FANCA):c.4260+5C>T

Genes: FANCA (FA complementation group A; minus strand), ZNF276 (zinc finger protein 276; plus strand). Cytogenetic location: 16q24.3.
Variant type: single nucleotide variant.
Coding change: c.4260+5C>T on transcript NM_000135.4 (MANE Select); 5 bases into the intron after coding-DNA position 4260, C replaced by T.
Molecular consequence: intron variant. On other transcripts: non-coding transcript variant (4), 3 prime UTR variant (2).
Genome position (GRCh38, 1-based): chr16:89,738,877, G>A on the plus strand (C>T on the coding strand, the complement: FANCA is on the minus strand). VCF-style: chr16-89738877-G-A. GRCh37 (hg19) VCF-style: chr16-89805285-G-A.
Other names: c.4260+5C>T (NM_000135.3); c.4264+5C>T (NM_001286167.3); c.*631G>A (NM_001113525.2, NM_152287.4).
Identifiers: ClinVar variation 2416004 (VCV002416004.24), dbSNP rs762275511, ClinGen allele CA8250665.